The following is an entry in ClinVar:

ClinVar aggregate classification (germline): Pathogenic (3 of 4 stars; one submission).

Conditions:
Breast-ovarian cancer, familial, susceptibility to, 1 (BROVCA1). Also called: BRCA1 Hereditary Breast and Ovarian Cancer; OVARIAN CANCER, SUSCEPTIBILITY TO. Identifiers: Orphanet 145, MedGen C2676676, MONDO:0011450, OMIM 604370. Disease mechanism: loss of function.

Submission:

Evidence-based Network for the Interpretation of Germline Mutant Alleles (ENIGMA)
Classification: Pathogenic for Breast-ovarian cancer, familial, susceptibility to, 1. Last evaluated: 2017-12-15. Review status: reviewed by expert panel. Criteria: ENIGMA BRCA1/2 Classification Criteria (2017-06-29). Collection method: curation. Allele origin: germline. Study: ENIGMA.
Comment: Variant allele predicted to encode a truncated non-functional protein.

NM_007294.4(BRCA1):c.5247_5248insTC (p.Lys1750fs)

Gene: BRCA1 (BRCA1 DNA repair associated; minus strand). Cytogenetic location: 17q21.31.
Variant type: Insertion.
Coding change: c.5247_5248insTC on transcript NM_007294.4 (MANE Select); coding-DNA positions 5247 to 5248, TC inserted.
Protein change: p.Lys1750fs; shifts the reading frame from lysine 1750.
Molecular consequence: frameshift variant. On other transcripts: non-coding transcript variant (1).
Genome position: GRCh38 VCF-style: chr17-43057081-T-TGA. GRCh37 (hg19) VCF-style: chr17-41209098-T-TGA.
Other names: c.5124_5125insTC, p.Lys1709Serfs (NM_001407919.1, NM_001407937.1, NM_001407938.1 and 6 more transcripts); c.4983_4984insTC, p.Lys1662Serfs (NM_001407920.1, NM_001407921.1, NM_001407922.1 and 4 more transcripts); c.4980_4981insTC, p.Lys1661Serfs (NM_001407927.1, NM_001407928.1, NM_001407929.1 and 4 more transcripts); c.4977_4978insTC, p.Lys1660Serfs (NM_001407934.1, NM_001407935.1, NM_001407936.1); c.5121_5122insTC, p.Lys1708Serfs (NM_001407939.1, NM_001407940.1, NM_001407670.1 and 10 more transcripts); c.5118_5119insTC, p.Lys1707Serfs (NM_001407941.1, NM_001407681.1, NM_001407682.1 and 6 more transcripts); c.5106_5107insTC, p.Lys1703Serfs (NM_001407942.1, NM_001407692.1, NM_001407694.1 and 12 more transcripts); c.5103_5104insTC, p.Lys1702Serfs (NM_001407943.1, NM_001407944.1, NM_001407945.1 and 21 more transcripts); and 75 more; short protein forms K1703fs, K1771fs, K646fs, K1750fs.
Identifiers: ClinVar variation 548278 (VCV000548278.2), dbSNP rs1555576878, ClinGen allele CA658824713.